The following is an entry in ClinVar:

NM_001065.4(TNFRSF1A):c.823C>T (p.Pro275Ser)

Gene: TNFRSF1A (TNF receptor superfamily member 1A; minus strand). Cytogenetic location: 12p13.31.
Variant type: single nucleotide variant.
Coding change: c.823C>T on transcript NM_001065.4 (MANE Select); coding-DNA position 823, C replaced by T.
Protein change: p.Pro275Ser; replaces proline 275 with serine.
Molecular consequence: missense variant. On other transcripts: non-coding transcript variant (1).
Genome position (GRCh38, 1-based): chr12:6,330,012, G>A on the plus strand (C>T on the coding strand, the complement: TNFRSF1A is on the minus strand). VCF-style: chr12-6330012-G-A. GRCh37 (hg19) VCF-style: chr12-6439178-G-A.
Other names: c.499C>T, p.Pro167Ser (NM_001346091.2); c.364C>T, p.Pro122Ser (NM_001346092.2); short protein forms P275S, P167S, P122S.
Identifiers: ClinVar variation 310109 (VCV000310109.46), dbSNP rs758118907, ClinGen allele CA6405346.

ClinVar aggregate classification (germline): Uncertain significance. Review status: criteria provided, multiple submitters, no conflicts (2 of 4 stars). 5 submissions from 5 submitters: Uncertain significance (4). 1 of the submissions does not count toward it. Last evaluated 2025-10-25.

Conditions:
TNFRSF1A-related disorder. Also called: TNFRSF1A-related condition.
TNF receptor-associated periodic fever syndrome (TRAPS) (FPF). Also called: TNF receptor 1-associated periodic fever syndrome; FAMILIAL HIBERNIAN FEVER; TNF Receptor-Associated Periodic Fever Syndrome; TNF RECEPTOR-ASSOCIATED PERIODIC SYNDROME; TUMOR NECROSIS FACTOR RECEPTOR-ASSOCIATED PERIODIC SYNDROME; Autosomal Dominant Familial Periodic Fever. Identifiers: Orphanet 32960, MedGen C1275126, MONDO:0007727, OMIM 142680.

Allele frequency attached by ClinVar (database versions not stated): ExAC 0.00001; gnomAD exomes 0.00001 and 0.00002; gnomAD 0.00002; TOPMed 0.00002.

Submissions (5):

Labcorp Genetics (formerly Invitae), Labcorp
Classification: Uncertain significance for TNF receptor-associated periodic fever syndrome (TRAPS). Last evaluated: 2025-10-25. Review status: criteria provided, single submitter. Criteria: Invitae Variant Classification Sherloc (09022015). Collection method: clinical testing. Allele origin: germline.
Comment: This sequence change replaces proline, which is neutral and non-polar, with serine, which is neutral and polar, at codon 275 of the TNFRSF1A protein (p.Pro275Ser). This variant is present in population databases (rs758118907, gnomAD 0.004%). This variant has not been reported in the literature in individuals affected with TNFRSF1A-related conditions. ClinVar contains an entry for this variant (Variation ID: 310109). An algorithm developed to predict the effect of missense changes on protein structure and function outputs the following: PolyPhen-2: "Benign". The serine amino acid residue is found in multiple mammalian species, which suggests that this missense change does not adversely affect protein function. In summary, the available evidence is currently insufficient to determine the role of this variant in disease. Therefore, it has been classified as a Variant of Uncertain Significance.

Blueprint Genetics
Classification: Uncertain significance. Last evaluated: 2024-11-27. Review status: criteria provided, single submitter. Criteria: ACMG Guidelines, 2015. Collection method: clinical testing. Allele origin: germline.

CeGaT Center for Human Genetics Tuebingen
Classification: Uncertain significance. Last evaluated: 2021-03-01. Review status: criteria provided, single submitter. Criteria: CeGaT Center For Human Genetics Tuebingen Variant Classification Criteria Version 2. Collection method: clinical testing. Allele origin: germline. Affected: yes. Observed: 1 variant allele.

Illumina Laboratory Services, Illumina
Classification: Uncertain significance for TNF receptor-associated periodic fever syndrome (TRAPS). Last evaluated: 2018-01-12. Review status: criteria provided, single submitter. Criteria: ICSL Variant Classification Criteria 13 December 2019. Collection method: clinical testing. Allele origin: germline.

PreventionGenetics, part of Exact Sciences
Classification: Uncertain significance for TNFRSF1A-related condition. Last evaluated: 2024-02-13. Review status: no assertion criteria provided. Collection method: clinical testing. Allele origin: germline. Not counted in ClinVar's aggregate classification.
Comment: The TNFRSF1A c.823C>T variant is predicted to result in the amino acid substitution p.Pro275Ser. This variant has been observed in an individual with autoinflammatory disease and assessed as variant of uncertain significance (Table 2, Martorana et al. 2017. PubMed ID: 28421071; Table 7, Gaggiano et al. 2019. PubMed ID: 32082075). This variant is reported in 0.0037% of alleles in individuals of European (Non-Finnish) descent in gnomAD. At this time, the clinical significance of this variant is uncertain due to the absence of conclusive functional and genetic evidence.